The following is an entry in ClinVar:

NM_153676.4(USH1C):c.376G>A (p.Val126Ile)

Gene: USH1C (USH1 protein network component harmonin; minus strand). Cytogenetic location: 11p15.1.
Variant type: single nucleotide variant.
Coding change: c.376G>A on transcript NM_153676.4 (MANE Select); coding-DNA position 376, G replaced by A.
Protein change: p.Val126Ile; replaces valine 126 with isoleucine.
Molecular consequence: missense variant. On other transcripts: non-coding transcript variant (1).
Genome position (GRCh38, 1-based): chr11:17,531,165, C>T on the plus strand (G>A on the coding strand, the complement: USH1C is on the minus strand). VCF-style: chr11-17531165-C-T. GRCh37 (hg19) VCF-style: chr11-17552712-C-T.
Other names: c.376G>A, p.Val126Ile (NM_001297764.2, NM_005709.4); short protein forms V126I.
Identifiers: ClinVar variation 1304920 (VCV001304920.3), dbSNP rs1280648795, ClinGen allele CA379796684.

ClinVar aggregate classification (germline): Uncertain significance. Review status: criteria provided, multiple submitters, no conflicts (2 of 4 stars). 2 submissions from 2 submitters: Uncertain significance (2). Last evaluated 2025-09-22.

Conditions:
Inborn genetic diseases. Identifiers: MedGen C0950123, MeSH D030342.

Allele frequency attached by ClinVar (database versions not stated): TOPMed below 0.00001.
gnomAD v4.1: 5 of 1,614,126 alleles (0.00031%); highest among the groups gnomAD compares: Non-Finnish European, 0.00034%; no homozygotes.

Submissions (2):

Ambry Genetics
Classification: Uncertain significance for Inborn genetic diseases. Last evaluated: 2025-09-22. Review status: criteria provided, single submitter. Criteria: Ambry Variant Classification Scheme 2023. Collection method: clinical testing. Allele origin: germline.

GeneDx
Classification: Uncertain significance. Last evaluated: 2020-01-14. Review status: criteria provided, single submitter. Criteria: GeneDx Variant Classification Process June 2021. Collection method: clinical testing. Allele origin: germline. Affected: yes.
Comment: Not observed in large population cohorts (Lek et al., 2016); In silico analysis, which includes protein predictors and evolutionary conservation, supports that this variant does not alter protein structure/function; Has not been previously published as pathogenic or benign to our knowledge